The following is an entry in ClinVar:

NM_014921.5(ADGRL1):c.2435C>T (p.Ser812Leu)

Genes: ADGRL1 (adhesion G protein-coupled receptor L1; minus strand), ADGRL1-AS1 (ADGRL1 antisense RNA 1; plus strand). Cytogenetic location: 19p13.12.
Variant type: single nucleotide variant.
Coding change: c.2435C>T on transcript NM_014921.5 (MANE Select); coding-DNA position 2435, C replaced by T.
Protein change: p.Ser812Leu; replaces serine 812 with leucine.
Molecular consequence: missense variant.
Genome position (GRCh38, 1-based): chr19:14,157,982, G>A on the plus strand (C>T on the coding strand, the complement: ADGRL1 is on the minus strand). VCF-style: chr19-14157982-G-A. GRCh37 (hg19) VCF-style: chr19-14268794-G-A.
Other names: c.2450C>T, p.Ser817Leu (NM_001008701.3); short protein forms S817L, S812L.
Identifiers: ClinVar variation 2613392 (VCV002613392.2), dbSNP rs1968943744, ClinGen allele CA404402115.
Genomic context (GRCh38, chr19:14,157,982, plus strand): 5'-TGGCTGCAGGCACACGTGGTATGGGTCTTGTTGGACTCCACCAGGCGGCAGCCTTGGGTC[G>A]ACCAGTAGCCCAGCATGGAACGCTCCGAGTAGTTCCAGAAGGAGCAGTTAGCATTGAAGT-3'
Protein context (NP_055736.2, residues 802-822): YSERSMLGYW[Ser812Leu]TQGCRLVESN

ClinVar aggregate classification (germline): Uncertain significance (1 of 4 stars; one submission).

Conditions:
Inborn genetic diseases. Identifiers: MedGen C0950123, MeSH D030342.

Allele frequency attached by ClinVar (database versions not stated): gnomAD exomes below 0.00001; TOPMed below 0.00001.
gnomAD v4.1: 2 of 1,614,196 alleles (0.00012%); highest among the groups gnomAD compares: East Asian, 0.0022%; no homozygotes.

Submission:

Ambry Genetics
Classification: Uncertain significance for Inborn genetic diseases. Last evaluated: 2023-08-23. Review status: criteria provided, single submitter. Criteria: Ambry Variant Classification Scheme 2023. Collection method: clinical testing. Allele origin: germline.
Comment: The c.2450C>T (p.S817L) alteration is located in exon 14 (coding exon 13) of the ADGRL1 gene. This alteration results from a C to T substitution at nucleotide position 2450, causing the serine (S) at amino acid position 817 to be replaced by a leucine (L). This variant was not reported in population-based cohorts in the Genome Aggregation Database (gnomAD). This amino acid position is highly conserved in available vertebrate species. The in silico prediction for this alteration is inconclusive. Based on insufficient or conflicting evidence, the clinical significance of this alteration remains unclear.